The following is an entry in ClinVar:

NM_000553.6(WRN):c.1360C>T (p.Pro454Ser)

Gene: WRN (WRN RecQ like helicase; plus strand). Cytogenetic location: 8p12.
Variant type: single nucleotide variant.
Coding change: c.1360C>T on transcript NM_000553.6 (MANE Select); coding-DNA position 1360, C replaced by T.
Protein change: p.Pro454Ser; replaces proline 454 with serine.
Molecular consequence: missense variant.
Genome position (GRCh38, 1-based): chr8:31,085,175, C>T. VCF-style: chr8-31085175-C-T. GRCh37 (hg19) VCF-style: chr8-30942691-C-T.
Other names: short protein forms P454S.
Identifiers: ClinVar variation 2837693 (VCV002837693.3), dbSNP rs1813480707, ClinGen allele CA370923674.

ClinVar aggregate classification (germline): Uncertain significance (1 of 4 stars; one submission).

Conditions:
Werner syndrome (WRN). Identifiers: Orphanet 902, MedGen C0043119, MONDO:0010196, OMIM 277700.

Allele frequency attached by ClinVar (database versions not stated): gnomAD exomes below 0.00001.
gnomAD v4.1: 1 of 1,612,484 alleles (0.000062%); highest among the groups gnomAD compares: Non-Finnish European, 0.000085%; no homozygotes.

Submission:

Labcorp Genetics (formerly Invitae), Labcorp
Classification: Uncertain significance for Werner syndrome. Last evaluated: 2023-02-15. Review status: criteria provided, single submitter. Criteria: Invitae Variant Classification Sherloc (09022015). Collection method: clinical testing. Allele origin: germline.
Comment: This variant is not present in population databases (gnomAD no frequency). This sequence change replaces proline, which is neutral and non-polar, with serine, which is neutral and polar, at codon 454 of the WRN protein (p.Pro454Ser). This variant has not been reported in the literature in individuals affected with WRN-related conditions. Algorithms developed to predict the effect of missense changes on protein structure and function output the following: SIFT: "Not Available"; PolyPhen-2: "Benign"; Align-GVGD: "Not Available". The serine amino acid residue is found in multiple mammalian species, which suggests that this missense change does not adversely affect protein function. In summary, the available evidence is currently insufficient to determine the role of this variant in disease. Therefore, it has been classified as a Variant of Uncertain Significance.